The following is an entry in ClinVar:

NM_001382273.1(TNK2):c.1748T>A (p.Val583Asp)

Gene: TNK2 (tyrosine kinase non receptor 2; minus strand). Cytogenetic location: 3q29.
Variant type: single nucleotide variant.
Coding change: c.1748T>A on transcript NM_001382273.1 (MANE Select); coding-DNA position 1748, T replaced by A.
Protein change: p.Val583Asp; replaces valine 583 with aspartic acid.
Molecular consequence: missense variant. On other transcripts: non-coding transcript variant (15).
Genome position (GRCh38, 1-based): chr3:195,868,550, A>T on the plus strand (T>A on the coding strand, the complement: TNK2 is on the minus strand). VCF-style: chr3-195868550-A-T. GRCh37 (hg19) VCF-style: chr3-195595421-A-T.
Other names: c.1820T>A, p.Val607Asp (NM_001010938.2, NM_001382272.1); c.1799T>A, p.Val600Asp (NM_001308046.2, NM_001382271.1); c.1748T>A, p.Val583Asp (NM_001382274.1, NM_001387716.1, NM_001387717.1 and 1 more transcripts); c.1844T>A, p.Val615Asp (NM_001382275.1, NM_001387707.1); c.1703T>A, p.Val568Asp (NM_001386164.1, NM_001387709.1, NM_001387710.1 and 8 more transcripts); c.1775T>A, p.Val592Asp (NM_001387708.1, NM_001387715.1); short protein forms V607D, V615D, V583D, V592D, V568D, V600D.
Identifiers: ClinVar variation 1491467 (VCV001491467.6), dbSNP rs2149239335, ClinGen allele CA355570555.

ClinVar aggregate classification (germline): Uncertain significance (1 of 4 stars; one submission).

gnomAD v4.1: 1 of 1,569,624 alleles (0.000064%); highest among the groups gnomAD compares: Non-Finnish European, 0.000086%; no homozygotes.

Submission:

Labcorp Genetics (formerly Invitae), Labcorp
Classification: Uncertain significance. Last evaluated: 2021-11-28. Review status: criteria provided, single submitter. Criteria: Invitae Variant Classification Sherloc (09022015). Collection method: clinical testing. Allele origin: germline.
Comment: This variant has not been reported in the literature in individuals affected with TNK2-related conditions. In summary, the available evidence is currently insufficient to determine the role of this variant in disease. Therefore, it has been classified as a Variant of Uncertain Significance. Algorithms developed to predict the effect of missense changes on protein structure and function are either unavailable or do not agree on the potential impact of this missense change (SIFT: "Tolerated"; PolyPhen-2: "Possibly Damaging"; Align-GVGD: "Class C0"). This variant is not present in population databases (gnomAD no frequency). This sequence change replaces valine, which is neutral and non-polar, with aspartic acid, which is acidic and polar, at codon 646 of the TNK2 protein (p.Val646Asp).